The following is an entry in ClinVar:

ClinVar aggregate classification (germline): Likely benign (1 of 4 stars; one submission).

Allele frequency attached by ClinVar (database versions not stated): TOPMed below 0.00001; ExAC 0.00001; gnomAD 0.00002; gnomAD exomes 0.00003.
gnomAD v4.1: 33 of 1,208,188 alleles (0.0027%); highest among the groups gnomAD compares: Non-Finnish European, 0.0036%; no homozygotes.

Submission:

CeGaT Center for Human Genetics Tuebingen
Classification: Likely benign. Last evaluated: 2023-02-01. Review status: criteria provided, single submitter. Criteria: CeGaT Center For Human Genetics Tuebingen Variant Classification Criteria Version 2. Collection method: clinical testing. Allele origin: germline. Affected: yes. Observed: 1 variant allele.
Comment: ADGRG4: BP4, BP7, BS2

NM_153834.4(ADGRG4):c.6123A>G (p.Thr2041=)

Gene: ADGRG4 (adhesion G protein-coupled receptor G4; plus strand). Cytogenetic location: Xq26.3.
Variant type: single nucleotide variant.
Coding change: c.6123A>G on transcript NM_153834.4 (MANE Select); coding-DNA position 6123, A replaced by G.
Protein change: p.Thr2041=; no amino-acid change (threonine 2041 retained).
Molecular consequence: synonymous variant.
Genome position (GRCh38, 1-based): chrX:136,349,829, A>G. VCF-style: chrX-136349829-A-G. GRCh37 (hg19) VCF-style: chrX-135431988-A-G.
Identifiers: ClinVar variation 2661513 (VCV002661513.24), dbSNP rs756479171, ClinGen allele CA10526688.
Genomic context (GRCh38, chrX:136,349,829, plus strand): 5'-AACTGTATCTAATGCCCCTCATGTTATGACTTCCTCTACAGTAGAGGTGTCAAAATCAAC[A>G]TTTCTGACATCTGACATGATATCAGCGCACCCATTCACTAACTTGACAACACTACCCTCT-3'
Protein context (NP_722576.3, residues 2031-2051): TSSTVEVSKS[Thr2041=]FLTSDMISAH